The following is an entry in ClinVar:

ClinVar aggregate classification (germline): Pathogenic/Likely pathogenic. Review status: criteria provided, multiple submitters, no conflicts (2 of 4 stars). 4 submissions from 4 submitters: Pathogenic (1); Likely pathogenic (3). Last evaluated 2025-12-10.

Conditions:
Childhood hypophosphatasia. Identifiers: Orphanet 247667, Orphanet 436, MedGen C0220743, MONDO:1010168, OMIM 241510, MONDO:0009428.
Infantile hypophosphatasia. Identifiers: Orphanet 247651, Orphanet 436, MedGen C0268412, MONDO:1010169, OMIM 241500, MONDO:0009427.
Adult hypophosphatasia. Identifiers: Orphanet 247676, Orphanet 436, MedGen C0268413, MONDO:1010154, OMIM 146300, MONDO:0007798.
Hypophosphatasia. Also called: Phosphoethanol-aminuria. Identifiers: Orphanet 436, MedGen C0020630, MeSH D007014, MONDO:0018570.
ALPL-related disorder. Also called: ALPL-related disorders; ALPL-related condition.

Allele frequency attached by ClinVar (database versions not stated): TOPMed below 0.00001; gnomAD exomes 0.00001; gnomAD 0.00002; ESP Exome Variant Server 0.00048.

Submissions (4):

Labcorp Genetics (formerly Invitae), Labcorp
Classification: Pathogenic. Last evaluated: 2025-12-10. Review status: criteria provided, single submitter. Criteria: Invitae Variant Classification Sherloc (09022015). Collection method: clinical testing. Allele origin: germline.
Comment: This variant, c.876_881del, results in the deletion of 2 amino acid(s) of the ALPL protein (p.Gly293_Asp294del), but otherwise preserves the integrity of the reading frame. This variant is present in population databases (no rsID available, gnomAD 0.02%). This variant has been observed in individual(s) with clinical features of hypophosphatasia (PMID: 12815606; internal data). In at least one individual the data is consistent with being in trans (on the opposite chromosome) from a pathogenic variant. ClinVar contains an entry for this variant (Variation ID: 834950). This variant disrupts a region of the ALPL protein in which other variant(s) (p.Asp294Ala) have been determined to be pathogenic (PMID: 1409720, 10839996, 15694177, 19335222, 22397652, 25731960). This suggests that this is a clinically significant region of the protein, and that variants that disrupt it are likely to be disease-causing. For these reasons, this variant has been classified as Pathogenic.

Genomenon, Inc
Classification: Likely pathogenic for Hypophosphatasia. Last evaluated: 2025-08-29. Review status: criteria provided, single submitter. Criteria: Genomenon Sequence Variant Interpretation Standards. Collection method: curation. Allele origin: germline. Affected: yes.
Comment: ALPL p.Gly293_Asp294del (c.876_881del) is an in-frame deletion variant that results in the deletion of two amino acids, Glycine at position 293 and Aspartic acid at position 294. This variant has been observed in at least one proband affected with hypophosphatasia (PMID:12815606). It has been confirmed in trans with a pathogenic variant (PMID:12815606). It is absent or not present at a significant frequency in gnomAD. In conclusion, we classify ALPL p.Gly293_Asp294del (c.876_881del) as a likely pathogenic variant.

Fulgent Genetics
Classification: Likely pathogenic for Adult hypophosphatasia; Infantile hypophosphatasia; Childhood hypophosphatasia. Last evaluated: 2024-03-20. Review status: criteria provided, single submitter. Criteria: ACMG Guidelines, 2015. Collection method: clinical testing. Allele origin: germline.

Blueprint Genetics
Classification: Likely pathogenic for ALPL-related disorders. Last evaluated: 2021-12-13. Review status: criteria provided, single submitter. Criteria: ACMG Guidelines, 2015. Collection method: clinical testing. Allele origin: germline. Affected: yes. Observed: 2 variant alleles.

Literature cited by the submitters: PubMed 12815606 (cited by Labcorp Genetics (formerly Invitae), Labcorp and Genomenon, Inc); PubMed 1409720 (cited by Labcorp Genetics (formerly Invitae), Labcorp); PubMed 10839996 (cited by Labcorp Genetics (formerly Invitae), Labcorp); PubMed 15694177 (cited by Labcorp Genetics (formerly Invitae), Labcorp); PubMed 19335222 (cited by Labcorp Genetics (formerly Invitae), Labcorp); PubMed 22397652 (cited by Labcorp Genetics (formerly Invitae), Labcorp); PubMed 25731960 (cited by Labcorp Genetics (formerly Invitae), Labcorp).

NM_000478.6(ALPL):c.876_881del (p.Gly293_Asp294del)

Gene: ALPL (alkaline phosphatase, biomineralization associated; plus strand). Cytogenetic location: 1p36.12.
Variant type: Deletion.
Coding change: c.876_881del on transcript NM_000478.6 (MANE Select); coding-DNA positions 876 to 881, 6 bases deleted (AGGGGA; older notation c.876_881delAGGGGA).
Protein change: p.Gly293_Asp294del.
Molecular consequence: inframe deletion.
Genome position (GRCh38, 1-based): chr1:21,573,678-21,573,683, AGGGGA deleted. VCF-style (leftmost placement, unchanged base first): chr1-21573677-CAGGGGA-C. GRCh37 (hg19) VCF-style: chr1-21900170-CAGGGGA-C.
Other names: c.711_716del, p.Gly238_Asp239del (NM_001127501.4); c.645_650del, p.Gly216_Asp217del (NM_001177520.3); c.876_881del, p.Gly293_Asp294del (NM_001369803.2, NM_001369804.2, NM_001369805.2).
Identifiers: ClinVar variation 834950 (VCV000834950.9), dbSNP rs1360625972, ClinGen allele CA416532345.